The following is an entry in ClinVar:

NM_033305.3(VPS13A):c.5687T>C (p.Phe1896Ser)

Gene: VPS13A (vacuolar protein sorting 13 homolog A; plus strand). Cytogenetic location: 9q21.2.
Variant type: single nucleotide variant.
Coding change: c.5687T>C on transcript NM_033305.3 (MANE Select); coding-DNA position 5687, T replaced by C.
Protein change: p.Phe1896Ser; replaces phenylalanine 1896 with serine.
Molecular consequence: missense variant.
Genome position (GRCh38, 1-based): chr9:77,321,603, T>C. VCF-style: chr9-77321603-T-C. GRCh37 (hg19) VCF-style: chr9-79936519-T-C.
Other names: c.5570T>C, p.Phe1857Ser (NM_001018037.2); c.5687T>C, p.Phe1896Ser (NM_001018038.3, NM_015186.4); short protein forms F1857S, F1896S.
Identifiers: ClinVar variation 1683674 (VCV001683674.2), dbSNP rs1339880855, ClinGen allele CA373863194.

ClinVar aggregate classification (germline): Uncertain significance (1 of 4 stars; one submission).

Conditions:
VPS13A-related neurodegenerative disease. Also called: VPS13A Disease; LEVINE-CRITCHLEY SYNDROME; ACANTHOCYTOSIS WITH NEUROLOGIC DISORDER; Choreaacanthocytosis; Choreoacanthocytosis; Chorea-acanthocytosis. Identifiers: Orphanet 2388, MedGen C0393576, MONDO:0008695, OMIM 200150.

Allele frequency attached by ClinVar (database versions not stated): gnomAD exomes below 0.00001.

Submission:

Laboratorio de Genetica e Diagnostico Molecular, Hospital Israelita Albert Einstein
Classification: Uncertain significance for VPS13A-related neurodegenerative disease. Last evaluated: 2021-07-15. Review status: criteria provided, single submitter. Criteria: ACMG Guidelines, 2015. Collection method: clinical testing. Allele origin: germline. Affected: yes.
Comment: ACMG classification criteria: PM2 moderate, BP4 supporting